The following is an entry in ClinVar:

ClinVar aggregate classification (germline): Uncertain significance (1 of 4 stars; one submission).

Allele frequency attached by ClinVar (database versions not stated): TOPMed below 0.00001; ExAC 0.00001; gnomAD exomes below 0.00001.
gnomAD v4.1: 1 of 1,614,108 alleles (0.000062%); highest among the groups gnomAD compares: South Asian, 0.0011%; no homozygotes.

Submission:

Labcorp Genetics (formerly Invitae), Labcorp
Classification: Uncertain significance. Last evaluated: 2025-06-09. Review status: criteria provided, single submitter. Criteria: Invitae Variant Classification Sherloc (09022015). Collection method: clinical testing. Allele origin: germline.
Comment: This sequence change replaces asparagine, which is neutral and polar, with lysine, which is basic and polar, at codon 1214 of the ERBB4 protein (p.Asn1214Lys). This variant is present in population databases (rs752552949, gnomAD 0.003%). This variant has not been reported in the literature in individuals affected with ERBB4-related conditions. ClinVar contains an entry for this variant (Variation ID: 2877450). An algorithm developed to predict the effect of missense changes on protein structure and function (PolyPhen-2) suggests that this variant is likely to be tolerated. In summary, the available evidence is currently insufficient to determine the role of this variant in disease. Therefore, it has been classified as a Variant of Uncertain Significance.

NM_005235.3(ERBB4):c.3642C>A (p.Asn1214Lys)

Gene: ERBB4 (erb-b2 receptor tyrosine kinase 4; minus strand). Cytogenetic location: 2q34.
Variant type: single nucleotide variant.
Coding change: c.3642C>A on transcript NM_005235.3 (MANE Select); coding-DNA position 3642, C replaced by A.
Protein change: p.Asn1214Lys; replaces asparagine 1214 with lysine.
Molecular consequence: missense variant.
Genome position (GRCh38, 1-based): chr2:211,383,900, G>T on the plus strand (C>A on the coding strand, the complement: ERBB4 is on the minus strand). VCF-style: chr2-211383900-G-T. GRCh37 (hg19) VCF-style: chr2-212248625-G-T.
Other names: c.3594C>A, p.Asn1198Lys (NM_001042599.2); short protein forms N1198K, N1214K.
Identifiers: ClinVar variation 2877450 (VCV002877450.3), dbSNP rs752552949, ClinGen allele CA2087387.